The following is an entry in ClinVar:

NM_152703.5(SAMD9L):c.527G>A (p.Arg176His)

Gene: SAMD9L (sterile alpha motif domain containing 9 like; minus strand). Cytogenetic location: 7q21.2.
Variant type: single nucleotide variant.
Coding change: c.527G>A on transcript NM_152703.5 (MANE Select); coding-DNA position 527, G replaced by A.
Protein change: p.Arg176His; replaces arginine 176 with histidine.
Molecular consequence: missense variant.
Genome position (GRCh38, 1-based): chr7:93,135,445, C>T on the plus strand (G>A on the coding strand, the complement: SAMD9L is on the minus strand). VCF-style: chr7-93135445-C-T. GRCh37 (hg19) VCF-style: chr7-92764758-C-T.
Other names: c.527G>A (NM_152703.2, NM_152703.3); c.527G>A, p.Arg176His (NM_001303496.3, NM_001303497.3, NM_001303498.3 and 5 more transcripts); short protein forms R176H.
Identifiers: ClinVar variation 1428361 (VCV001428361.12), dbSNP rs201437583, ClinGen allele CA4343856.
Genomic context (GRCh38, chr7:93,135,445, plus strand): 5'-ATTGGATCAATGAGATTGAGTGCTCCTGTTTCAGGTTGTAGAGTATAATGTTCTATGTAG[C>T]GATGGCTGTCATGGAACTGATCAAAAGGATATGGCATACAAGTCAATTGTTCAGGTTTTA-3'
Protein context (NP_689916.2, residues 166-186): YPFDQFHDSH[Arg176His]YIEHYTLQPE

ClinVar aggregate classification (germline): Conflicting classifications of pathogenicity. Review status: criteria provided, conflicting classifications (1 of 4 stars). 4 submissions from 4 submitters: Uncertain significance (2); Likely benign (2). Last evaluated 2025-10-28.

Conditions:
Inborn genetic diseases. Identifiers: MedGen C0950123, MeSH D030342.

Allele frequency attached by ClinVar (database versions not stated): gnomAD 0.00006 and 0.00007; gnomAD exomes 0.00006 and 0.00007; TOPMed 0.00006; ExAC 0.00007; 1000 Genomes Project 0.00020; 1000 Genomes Project 30x 0.00031.

Submissions (4):

Labcorp Genetics (formerly Invitae), Labcorp
Classification: Uncertain significance. Last evaluated: 2025-10-28. Review status: criteria provided, single submitter. Criteria: Invitae Variant Classification Sherloc (09022015). Collection method: clinical testing. Allele origin: germline.
Comment: This sequence change replaces arginine, which is basic and polar, with histidine, which is basic and polar, at codon 176 of the SAMD9L protein (p.Arg176His). This variant is present in population databases (rs201437583, gnomAD 0.01%). This variant has not been reported in the literature in individuals affected with SAMD9L-related conditions. ClinVar contains an entry for this variant (Variation ID: 1428361). An algorithm developed to predict the effect of missense changes on protein structure and function (PolyPhen-2) suggests that this variant is likely to be tolerated. In summary, the available evidence is currently insufficient to determine the role of this variant in disease. Therefore, it has been classified as a Variant of Uncertain Significance.

Ambry Genetics
Classification: Likely benign for Inborn genetic diseases. Last evaluated: 2024-11-22. Review status: criteria provided, single submitter. Criteria: Ambry Variant Classification Scheme 2023. Collection method: clinical testing. Allele origin: germline.

Blueprint Genetics
Classification: Likely benign. Last evaluated: 2024-06-19. Review status: criteria provided, single submitter. Criteria: ACMG Guidelines, 2015. Collection method: clinical testing. Allele origin: germline.

GeneDx
Classification: Uncertain significance. Last evaluated: 2023-11-21. Review status: criteria provided, single submitter. Criteria: GeneDx Variant Classification Process June 2021. Collection method: clinical testing. Allele origin: germline.
Comment: In silico analysis supports that this missense variant does not alter protein structure/function; Has not been previously published as pathogenic or benign to our knowledge